The following is an entry in ClinVar:

ClinVar aggregate classification (germline): Pathogenic (1 of 4 stars; one submission).

Conditions:
ALG6-congenital disorder of glycosylation 1C (CDG1C). Also called: Congenital disorder of glycosylation, type Ic; CARBOHYDRATE-DEFICIENT GLYCOPROTEIN SYNDROME, TYPE I, WITH DEFICIENT GLYCOSYLATION OF DOLICHOL-LINKED OLIGOSACCHARIDE; CARBOHYDRATE-DEFICIENT GLYCOPROTEIN SYNDROME, TYPE V; Congenital disorder of glycosylation type 1C; CDG Ic. Identifiers: Orphanet 79320, MedGen C2930997, MONDO:0011291, OMIM 603147.

Submission:

Labcorp Genetics (formerly Invitae), Labcorp
Classification: Pathogenic for ALG6-congenital disorder of glycosylation 1C. Last evaluated: 2023-07-31. Review status: criteria provided, single submitter. Criteria: Invitae Variant Classification Sherloc (09022015). Collection method: clinical testing. Allele origin: germline.
Comment: For these reasons, this variant has been classified as Pathogenic. This variant has not been reported in the literature in individuals affected with ALG6-related conditions. This variant is not present in population databases (gnomAD no frequency). This sequence change creates a premature translational stop signal (p.Phe49Leufs*42) in the ALG6 gene. It is expected to result in an absent or disrupted protein product. Loss-of-function variants in ALG6 are known to be pathogenic (PMID: 19862844).

Literature cited by the submitters: PubMed 19862844.

NM_013339.4(ALG6):c.147del (p.Phe49fs)

Gene: ALG6 (ALG6 alpha-1,3-glucosyltransferase; plus strand). Cytogenetic location: 1p31.3.
Variant type: Deletion.
Coding change: c.147del on transcript NM_013339.4 (MANE Select); coding-DNA position 147, one base deleted (T; older notation c.147delT).
Protein change: p.Phe49fs; shifts the reading frame from phenylalanine 49.
Molecular consequence: frameshift variant.
Genome position (GRCh38, 1-based): chr1:63,396,577, T deleted; the last of 4 consecutive T bases (chr1:63,396,574-63,396,577); deleting any one gives the same sequence. VCF-style (leftmost placement, unchanged base first): chr1-63396573-CT-C. GRCh37 (hg19) VCF-style: chr1-63862244-CT-C.
Other names: short protein forms F49fs.
Identifiers: ClinVar variation 2748650 (VCV002748650.3), dbSNP rs756566938, ClinGen allele CA2697552446.
Genomic context (GRCh38, chr1:63,396,573, plus strand): 5'-GTGCTGGTAAACCGCCTATGTTTGGTGATTATGAAGCTCAGAGACACTGGCAAGAAATAA[CT>C]TTTAATTTACCGGTCAAACAATGGTATGATAATTTTAACTTGTTTTTCTTGTTTATCATA-3'